The following is an entry in ClinVar:

NM_022773.4(LMF1):c.1381C>T (p.Arg461Cys)

Gene: LMF1 (lipase maturation factor 1; minus strand). Cytogenetic location: 16p13.3.
Variant type: single nucleotide variant.
Coding change: c.1381C>T on transcript NM_022773.4 (MANE Select); coding-DNA position 1381, C replaced by T.
Protein change: p.Arg461Cys; replaces arginine 461 with cysteine.
Molecular consequence: missense variant. On other transcripts: non-coding transcript variant (1), intron variant (1).
Genome position (GRCh38, 1-based): chr16:869,918, G>A on the plus strand (C>T on the coding strand, the complement: LMF1 is on the minus strand). VCF-style: chr16-869918-G-A. GRCh37 (hg19) VCF-style: chr16-919918-G-A.
Other names: c.730C>T, p.Arg244Cys (NM_001352017.2, NM_001352021.2); c.982C>T, p.Arg328Cys (NM_001352018.2); c.1054C>T, p.Arg352Cys (NM_001352019.2); c.1336+45C>T (NM_001352020.1); short protein forms R328C, R352C, R244C, R461C.
Identifiers: ClinVar variation 1917589 (VCV001917589.5), dbSNP rs753409067, ClinGen allele CA7797050.

ClinVar aggregate classification (germline): Uncertain significance (1 of 4 stars; one submission).

Allele frequency attached by ClinVar (database versions not stated): gnomAD 0.00001; ExAC 0.00003; TOPMed 0.00003.
gnomAD v4.1: 24 of 1,613,046 alleles (0.0015%); highest among the groups gnomAD compares: Middle Eastern, 0.016%; no homozygotes.

Submission:

Labcorp Genetics (formerly Invitae), Labcorp
Classification: Uncertain significance. Last evaluated: 2021-12-24. Review status: criteria provided, single submitter. Criteria: Invitae Variant Classification Sherloc (09022015). Collection method: clinical testing. Allele origin: germline.
Comment: In summary, the available evidence is currently insufficient to determine the role of this variant in disease. Therefore, it has been classified as a Variant of Uncertain Significance. This sequence change replaces arginine, which is basic and polar, with cysteine, which is neutral and slightly polar, at codon 461 of the LMF1 protein (p.Arg461Cys). This variant is present in population databases (rs753409067, gnomAD 0.005%). This missense change has been observed in individual(s) with clinical features of dyslipidemia (PMID: 32041611). Algorithms developed to predict the effect of missense changes on protein structure and function (SIFT, PolyPhen-2, Align-GVGD) all suggest that this variant is likely to be disruptive.

Literature cited by the submitters: PubMed 32041611.